The following is an entry in ClinVar:

NM_144988.4(ALG14):c.80G>T (p.Arg27Leu)

Genes: ALG14 (ALG14 UDP-N-acetylglucosaminyltransferase subunit; minus strand), LOC129930989 (ATAC-STARR-seq lymphoblastoid active region 1353; plus strand). Cytogenetic location: 1p21.3.
Variant type: single nucleotide variant.
Coding change: c.80G>T on transcript NM_144988.4 (MANE Select); coding-DNA position 80, G replaced by T.
Protein change: p.Arg27Leu; replaces arginine 27 with leucine.
Molecular consequence: missense variant. On other transcripts: non-coding transcript variant (1).
Genome position (GRCh38, 1-based): chr1:95,072,819, C>A on the plus strand (G>T on the coding strand, the complement: ALG14 is on the minus strand). VCF-style: chr1-95072819-C-A. GRCh37 (hg19) VCF-style: chr1-95538375-C-A.
Other names: c.80G>T, p.Arg27Leu (NM_001305242.2); short protein forms R27L.
Identifiers: ClinVar variation 1466027 (VCV001466027.8), dbSNP rs1267285963, ClinGen allele CA341367190.
Genomic context (GRCh38, chr1:95,072,819, plus strand): 5'-TTACCGGACCCAGCCACTACCAAGATACTGAGAGACTCCCGGGGCGTAACGTCCATGGAA[C>A]GAAGCACTACCCATATTCGCAGGATTAGGAAAACCGCCACAGCTCCTGCGGCCGCAGCTA-3'
Protein context (NP_659425.1, residues 17-37): FLILRIWVVL[Arg27Leu]SMDVTPRESL

ClinVar aggregate classification (germline): Uncertain significance (1 of 4 stars; one submission).

Conditions:
Congenital myasthenic syndrome 15. Also called: Myasthenic syndrome, congenital, 15, without tubular aggregates. Identifiers: Orphanet 353327, Orphanet 590, MedGen C4015596, MONDO:0014542, OMIM 616227.

Allele frequency attached by ClinVar (database versions not stated): gnomAD exomes below 0.00001.
gnomAD v4.1: 1 of 1,614,176 alleles (0.000062%); highest among the groups gnomAD compares: South Asian, 0.0011%; no homozygotes.

Submission:

Labcorp Genetics (formerly Invitae), Labcorp
Classification: Uncertain significance for Congenital myasthenic syndrome 15. Last evaluated: 2022-03-22. Review status: criteria provided, single submitter. Criteria: Invitae Variant Classification Sherloc (09022015). Collection method: clinical testing. Allele origin: germline.
Comment: In summary, the available evidence is currently insufficient to determine the role of this variant in disease. Therefore, it has been classified as a Variant of Uncertain Significance. Algorithms developed to predict the effect of missense changes on protein structure and function (SIFT, PolyPhen-2, Align-GVGD) all suggest that this variant is likely to be tolerated. This variant has not been reported in the literature in individuals affected with ALG14-related conditions. This variant is not present in population databases (gnomAD no frequency). This sequence change replaces arginine, which is basic and polar, with leucine, which is neutral and non-polar, at codon 27 of the ALG14 protein (p.Arg27Leu).